The following is an entry in ClinVar:

ClinVar aggregate classification (germline): Uncertain significance (1 of 4 stars; one submission).

Conditions:
Inborn genetic diseases. Identifiers: MedGen C0950123, MeSH D030342.

Submission:

Ambry Genetics
Classification: Uncertain significance for Inborn genetic diseases. Last evaluated: 2024-12-07. Review status: criteria provided, single submitter. Criteria: Ambry Variant Classification Scheme 2023. Collection method: clinical testing. Allele origin: germline.
Comment: The p.E1178K variant (also known as c.3532G>A), located in coding exon 1 of the SAMD9L gene, results from a G to A substitution at nucleotide position 3532. The glutamic acid at codon 1178 is replaced by lysine, an amino acid with similar properties. This amino acid position is conserved. In addition, this alteration is predicted to be tolerated by in silico analysis. Based on the available evidence, the clinical significance of this variant remains unclear.

NM_152703.5(SAMD9L):c.3532G>A (p.Glu1178Lys)

Gene: SAMD9L (sterile alpha motif domain containing 9 like; minus strand). Cytogenetic location: 7q21.2.
Variant type: single nucleotide variant.
Coding change: c.3532G>A on transcript NM_152703.5 (MANE Select); coding-DNA position 3532, G replaced by A.
Protein change: p.Glu1178Lys; replaces glutamic acid 1178 with lysine.
Molecular consequence: missense variant.
Genome position (GRCh38, 1-based): chr7:93,132,440, C>T on the plus strand (G>A on the coding strand, the complement: SAMD9L is on the minus strand). VCF-style: chr7-93132440-C-T. GRCh37 (hg19) VCF-style: chr7-92761753-C-T.
Other names: c.3532G>A, p.Glu1178Lys (NM_001303496.3, NM_001303497.3, NM_001303498.3 and 5 more transcripts); short protein forms E1178K.
Identifiers: ClinVar variation 3437232 (VCV003437232.1).